The following is an entry in ClinVar:

NM_006415.4(SPTLC1):c.427+446C>T

Gene: SPTLC1 (serine palmitoyltransferase long chain base subunit 1; minus strand). Cytogenetic location: 9q22.31.
Variant type: single nucleotide variant.
Coding change: c.427+446C>T on transcript NM_006415.4 (MANE Select); 446 bases into the intron after coding-DNA position 427, C replaced by T.
Molecular consequence: intron variant.
Genome position (GRCh38, 1-based): chr9:92,079,570, G>A on the plus strand (C>T on the coding strand, the complement: SPTLC1 is on the minus strand). VCF-style: chr9-92079570-G-A. GRCh37 (hg19) VCF-style: chr9-94841852-G-A.
Other names: c.427+446C>T (NM_001281303.2); c.-72-4C>T (NM_001368272.1); c.-39+446C>T (NM_001368273.1); c.428-4C>T (NM_178324.3, NM_178324.2).
Identifiers: ClinVar variation 2471548 (VCV002471548.22), dbSNP rs200880124, ClinGen allele CA5121564.

ClinVar aggregate classification (germline): Benign/Likely benign. Review status: criteria provided, multiple submitters, no conflicts (2 of 4 stars). 5 submissions from 5 submitters: Benign (2); Likely benign (2). 1 of the submissions does not count toward it. Last evaluated 2025-02-16.

Conditions:
SPTLC1-related disorder. Also called: SPTLC1-related condition.
Inborn genetic diseases. Identifiers: MedGen C0950123, MeSH D030342.

Allele frequency attached by ClinVar (database versions not stated): gnomAD exomes 0.00052; 1000 Genomes Project 0.00060; 1000 Genomes Project 30x 0.00062; ESP Exome Variant Server 0.00062; TOPMed 0.00062; gnomAD 0.00066; ExAC 0.00072.
gnomAD v4.1: 899 of 1,612,306 alleles (0.056%); highest among the groups gnomAD compares: Middle Eastern, 0.69%; 3 homozygotes.

Submissions (5):

Laboratory of Genetics, Children's Clinical University Hospital Latvia
Classification: Benign. Last evaluated: 2025-02-16. Review status: criteria provided, single submitter. Criteria: ACMG Guidelines, 2015. Collection method: clinical testing. Allele origin: germline. Affected: yes.

Blueprint Genetics
Classification: Likely benign. Last evaluated: 2024-11-14. Review status: criteria provided, single submitter. Criteria: ACMG Guidelines, 2015. Collection method: clinical testing. Allele origin: germline.

CeGaT Center for Human Genetics Tuebingen
Classification: Benign. Last evaluated: 2024-07-01. Review status: criteria provided, single submitter. Criteria: CeGaT Center For Human Genetics Tuebingen Variant Classification Criteria Version 2. Collection method: clinical testing. Allele origin: germline. Affected: yes. Observed: 1 variant allele.
Comment: SPTLC1: BP4, BS1, BS2

Ambry Genetics
Classification: Likely benign for Inborn genetic diseases. Last evaluated: 2023-02-20. Review status: criteria provided, single submitter. Criteria: Ambry Variant Classification Scheme 2023. Collection method: clinical testing. Allele origin: germline.

PreventionGenetics, part of Exact Sciences
Classification: Benign for SPTLC1-related condition. Last evaluated: 2019-05-21. Review status: no assertion criteria provided. Collection method: clinical testing. Allele origin: germline. Not counted in ClinVar's aggregate classification.
Comment: This variant is classified as benign based on ACMG/AMP sequence variant interpretation guidelines (Richards et al. 2015 PMID: 25741868, with internal and published modifications).